The following is an entry in ClinVar:

NM_007254.4(PNKP):c.1127-8C>T

Gene: PNKP (polynucleotide kinase 3'-phosphatase; minus strand). Cytogenetic location: 19q13.33.
Variant type: single nucleotide variant.
Coding change: c.1127-8C>T on transcript NM_007254.4 (MANE Select); 8 bases into the intron before coding-DNA position 1127, C replaced by T.
Molecular consequence: intron variant.
Genome position (GRCh38, 1-based): chr19:49,862,113, G>A on the plus strand (C>T on the coding strand, the complement: PNKP is on the minus strand). VCF-style: chr19-49862113-G-A. GRCh37 (hg19) VCF-style: chr19-50365370-G-A.
Other names: p.?.
Identifiers: ClinVar variation 95476 (VCV000095476.71), dbSNP rs3739203, ClinGen allele CA285667.

ClinVar aggregate classification (germline): Benign/Likely benign. Review status: criteria provided, multiple submitters, no conflicts (2 of 4 stars). 15 submissions from 15 submitters: Benign (9); Likely benign (4). 2 of the submissions do not count toward it. Last evaluated 2026-09-01.

Conditions:
Developmental and epileptic encephalopathy, 12 (DEE12). Identifiers: MedGen C3150988, MONDO:0013389, OMIM 613722.
Microcephaly, seizures, and developmental delay. Identifiers: Orphanet 1934, MedGen C3150667, MONDO:0013254, OMIM 613402.

Allele frequency attached by ClinVar (database versions not stated): gnomAD exomes 0.00674 and 0.00873; ExAC 0.00721; gnomAD 0.00848 and 0.00901; 1000 Genomes Project 30x 0.00531; 1000 Genomes Project 0.00539; ESP Exome Variant Server 0.00923; TOPMed 0.00940.

Submissions (15):

CeGaT Center for Human Genetics Tuebingen
Classification: Likely benign. Last evaluated: 2026-09-01. Review status: criteria provided, single submitter. Criteria: CeGaT Center For Human Genetics Tuebingen Variant Classification Criteria Version 2. Collection method: clinical testing. Allele origin: germline. Affected: yes. Observed: 70 variant alleles.
Comment: PNKP: BP4, BS2

Labcorp Genetics (formerly Invitae), Labcorp
Classification: Benign for Developmental and epileptic encephalopathy, 12. Last evaluated: 2026-02-03. Review status: criteria provided, single submitter. Criteria: Invitae Variant Classification Sherloc (09022015). Collection method: clinical testing. Allele origin: germline.

Genomic Medicine Center of Excellence, King Faisal Specialist Hospital and Research Centre
Classification: Likely benign. Last evaluated: 2025-08-18. Review status: criteria provided, single submitter. Criteria: ACMG Guidelines, 2015. Collection method: clinical testing. Allele origin: germline.

Blueprint Genetics
Classification: Likely benign. Last evaluated: 2024-11-28. Review status: criteria provided, single submitter. Criteria: ACMG Guidelines, 2015. Collection method: clinical testing. Allele origin: germline.

Mayo Clinic Laboratories, Mayo Clinic
Classification: Benign. Last evaluated: 2019-11-19. Review status: criteria provided, single submitter. Criteria: ACMG Guidelines, 2015. Collection method: clinical testing. Allele origin: germline. Observed: 42 variant alleles.

Athena Diagnostics
Classification: Benign. Last evaluated: 2018-01-26. Review status: criteria provided, single submitter. Criteria: Athena Diagnostics Criteria. Collection method: clinical testing. Allele origin: germline.

Illumina Laboratory Services, Illumina
Classification: Benign for Microcephaly, seizures, and developmental delay. Last evaluated: 2018-01-12. Review status: criteria provided, single submitter. Criteria: ICSL Variant Classification Criteria 13 December 2019. Collection method: clinical testing. Allele origin: germline.
Comment: This variant was observed in the ICSL laboratory as part of a predisposition screen in an ostensibly healthy population. It had not been previously curated by ICSL or reported in the Human Gene Mutation Database (HGMD: prior to June 1st, 2018), and was therefore a candidate for classification through an automated scoring system. Utilizing variant allele frequency, disease prevalence and penetrance estimates, and inheritance mode, an automated score was calculated to assess if this variant is too frequent to cause the disease. Based on the score and internal cut-off values, a variant classified as benign is not then subjected to further curation. The score for this variant resulted in a classification of benign for this disease.

Clinical Genetics DNA and cytogenetics Diagnostics Lab, Erasmus MC, Erasmus Medical Center
Classification: Benign for Microcephaly, seizures, and developmental delay. Last evaluated: 2017-05-31. Review status: criteria provided, single submitter. Criteria: ACGS Guidelines, 2013. Collection method: clinical testing. Allele origin: germline. Affected: yes. Study: VKGL Data-share Consensus.

Genetic Services Laboratory, University of Chicago
Classification: Benign. Last evaluated: 2015-12-11. Review status: criteria provided, single submitter. Criteria: ACMG Guidelines, 2015. Collection method: clinical testing. Allele origin: germline. Affected: no.

Genome Diagnostics Laboratory, University Medical Center Utrecht
Classification: Benign for Microcephaly, seizures, and developmental delay. Last evaluated: 2014-10-09. Review status: criteria provided, single submitter. Criteria: ACGS Guidelines, 2013. Collection method: clinical testing. Allele origin: germline. Affected: yes. Study: VKGL Data-share Consensus.

Eurofins Ntd Llc (ga)
Classification: Benign. Last evaluated: 2012-11-27. Review status: criteria provided, single submitter. Criteria: EGL Classification Definitions 2015. Collection method: clinical testing. Allele origin: germline. Observed: 2 variant alleles, 2 heterozygotes.

GeneDx
Classification: Benign. Last evaluated: 2012-05-11. Review status: criteria provided, single submitter. Criteria: GeneDx Variant Classification (06012015). Collection method: clinical testing. Allele origin: germline. Affected: yes.
Comment: This variant is considered likely benign or benign based on one or more of the following criteria: it is a conservative change, it occurs at a poorly conserved position in the protein, it is predicted to be benign by multiple in silico algorithms, and/or has population frequency not consistent with disease.

Breakthrough Genomics
Classification: Likely benign. Review status: criteria provided, single submitter. Criteria: ACMG Guidelines, 2015. Collection method: not provided. Allele origin: germline. Inheritance: Autosomal recessive inheritance. Affected: yes.

Diagnostic Laboratory, Department of Genetics, University Medical Center Groningen
Classification: Likely benign for Microcephaly, seizures, and developmental delay. Review status: no assertion criteria provided. Collection method: clinical testing. Allele origin: germline. Affected: yes. Study: VKGL Data-share Consensus. Not counted in ClinVar's aggregate classification.

Laboratory of Diagnostic Genome Analysis, Leiden University Medical Center (LUMC)
Classification: Likely benign. Review status: no assertion criteria provided. Collection method: clinical testing. Allele origin: germline. Affected: yes. Study: VKGL Data-share Consensus. Not counted in ClinVar's aggregate classification.